The following is an entry in ClinVar:

NM_004870.4(MPDU1):c.200del (p.Gly67fs)

Gene: MPDU1 (mannose-P-dolichol utilization defect 1; plus strand). Cytogenetic location: 17p13.1.
Variant type: Deletion.
Coding change: c.200del on transcript NM_004870.4 (MANE Select); coding-DNA position 200, one base deleted (G; older notation c.200delG).
Protein change: p.Gly67fs; shifts the reading frame from glycine 67.
Molecular consequence: frameshift variant. On other transcripts: non-coding transcript variant (1).
Genome position (GRCh38, 1-based): chr17:7,585,976, G deleted; the last of 3 consecutive G bases (chr17:7,585,974-7,585,976); deleting any one gives the same sequence. VCF-style (leftmost placement, unchanged base first): chr17-7585973-TG-T. GRCh37 (hg19) VCF-style: chr17-7489291-TG-T.
Other names: c.200del, p.Gly67fs (NM_001330073.1); c.200delG (NM_004870.4); short protein forms G67fs.
Identifiers: ClinVar variation 4850657 (VCV004850657.1).

ClinVar aggregate classification (germline): Likely pathogenic (1 of 4 stars; one submission).

Conditions:
MPDU1-congenital disorder of glycosylation. Also called: CONGENITAL DISORDER OF GLYCOSYLATION, TYPE If; CDG If; MPDU1-CDG. Identifiers: Orphanet 79323, MedGen C1836669, MONDO:0012211, OMIM 609180.

Submission:

First Genomix Gene Laboratory, Genetic Diagnostics Department
Classification: Likely pathogenic for MPDU1-congenital disorder of glycosylation. Last evaluated: 2025-07-30. Review status: criteria provided, single submitter. Criteria: ACMG Guidelines, 2015. Collection method: clinical testing. Allele origin: germline. Inheritance: Autosomal recessive inheritance. Affected: no. Observed: 1 variant allele.